The following is an entry in ClinVar:

NM_145054.5(CFAP52):c.1780C>T (p.Arg594Cys)

Gene: CFAP52 (cilia and flagella associated protein 52; plus strand). Cytogenetic location: 17p13.1.
Variant type: single nucleotide variant.
Coding change: c.1780C>T on transcript NM_145054.5 (MANE Select); coding-DNA position 1780, C replaced by T.
Protein change: p.Arg594Cys; replaces arginine 594 with cysteine.
Molecular consequence: missense variant.
Genome position (GRCh38, 1-based): chr17:9,643,115, C>T. VCF-style: chr17-9643115-C-T. GRCh37 (hg19) VCF-style: chr17-9546432-C-T.
Other names: c.1576C>T, p.Arg526Cys (NM_001080556.2); short protein forms R594C, R526C.
Identifiers: ClinVar variation 841069 (VCV000841069.12), dbSNP rs200319536, ClinGen allele CA8382346.

ClinVar aggregate classification (germline): Uncertain significance. Review status: criteria provided, multiple submitters, no conflicts (2 of 4 stars). 2 submissions from 2 submitters: Uncertain significance (2). Last evaluated 2023-08-08.

Conditions:
Situs inversus. Also called: Situs inversus totalis. Identifiers: Orphanet 101063, MedGen C4551493, MONDO:0010029, HP:0001696.

Allele frequency attached by ClinVar (database versions not stated): gnomAD exomes 0.00001 and 0.00002; ExAC 0.00002; gnomAD 0.00005; TOPMed 0.00008; 1000 Genomes Project 0.00020; 1000 Genomes Project 30x 0.00031.
gnomAD v4.1: 32 of 1,613,690 alleles (0.002%); highest among the groups gnomAD compares: African/African-American, 0.027%; no homozygotes.

Submissions (2):

Ambry Genetics
Classification: Uncertain significance. Last evaluated: 2023-08-08. Review status: criteria provided, single submitter. Criteria: Ambry Variant Classification Scheme 2023. Collection method: clinical testing. Allele origin: germline.

Labcorp Genetics (formerly Invitae), Labcorp
Classification: Uncertain significance for Situs inversus. Last evaluated: 2019-03-29. Review status: criteria provided, single submitter. Criteria: Invitae Variant Classification Sherloc (09022015). Collection method: clinical testing. Allele origin: germline.
Comment: Algorithms developed to predict the effect of missense changes on protein structure and function are either unavailable or do not agree on the potential impact of this missense change (SIFT: "Deleterious"; PolyPhen-2: "Benign"; Align-GVGD: "Class C15"). This variant has not been reported in the literature in individuals with CFAP52-related conditions. This variant is present in population databases (rs200319536, ExAC 0.02%). This sequence change replaces arginine with cysteine at codon 594 of the CFAP52 protein (p.Arg594Cys). The arginine residue is moderately conserved and there is a large physicochemical difference between arginine and cysteine. In summary, the available evidence is currently insufficient to determine the role of this variant in disease. Therefore, it has been classified as a Variant of Uncertain Significance.